The following is an entry in ClinVar:

ClinVar aggregate classification (germline): Pathogenic. Review status: criteria provided, multiple submitters, no conflicts (2 of 4 stars). 5 submissions from 5 submitters: Pathogenic (5). Last evaluated 2024-11-17.

Conditions:
Familial cancer of breast. Also called: Hereditary breast cancer; BREAST CANCER, FAMILIAL; hereditary breast carcinoma. Identifiers: Orphanet 227535, MedGen C0346153, MONDO:0016419, OMIM 114480. Disease mechanism: loss of function.
Hereditary cancer-predisposing syndrome. Also called: Tumor predisposition; Neoplastic Syndromes, Hereditary; Hereditary Cancer Syndrome; Hereditary neoplastic syndrome. Identifiers: Orphanet 140162, MedGen C0027672, MeSH D009386, MONDO:0015356.
Ataxia-telangiectasia syndrome (AT). Also called: ATAXIA-TELANGIECTASIA, COMPLEMENTATION GROUP A; ATAXIA-TELANGIECTASIA, FRESNO VARIANT; Ataxia-telangiectasia; Ataxia-telangiectasia, complementation group D; AT, COMPLEMENTATION GROUP C; Ataxia-telangiectasia, complementation group E. Identifiers: Orphanet 100, MedGen C0004135, MONDO:0008840, OMIM 208900.

Submissions (5):

Labcorp Genetics (formerly Invitae), Labcorp
Classification: Pathogenic for Ataxia-telangiectasia syndrome. Last evaluated: 2024-11-17. Review status: criteria provided, single submitter. Criteria: Invitae Variant Classification Sherloc (09022015). Collection method: clinical testing. Allele origin: germline.
Comment: This sequence change creates a premature translational stop signal (p.Leu2128Phefs*18) in the ATM gene. It is expected to result in an absent or disrupted protein product. Loss-of-function variants in ATM are known to be pathogenic (PMID: 23807571, 25614872). This variant is not present in population databases (gnomAD no frequency). This variant has not been reported in the literature in individuals affected with ATM-related conditions. ClinVar contains an entry for this variant (Variation ID: 826371). Algorithms developed to predict the effect of sequence changes on RNA splicing suggest that this variant may disrupt the consensus splice site. For these reasons, this variant has been classified as Pathogenic.

Ambry Genetics
Classification: Pathogenic for Hereditary cancer-predisposing syndrome. Last evaluated: 2024-03-21. Review status: criteria provided, single submitter. Criteria: Ambry Variant Classification Scheme 2023. Collection method: clinical testing. Allele origin: germline.
Comment: The c.6383dupT pathogenic mutation, located in coding exon 43 of the ATM gene, results from a duplication of T at nucleotide position 6383, causing a translational frameshift with a predicted alternate stop codon (p.L2128Ffs*18). This alteration has been reported, in conjunction with a second ATM mutation, in a patient with ataxia telangiectasia (Berland A et al. J Allergy Clin Immunol, 2019 Jan;143:325-334.e2). This variant is considered to be rare based on population cohorts in the Genome Aggregation Database (gnomAD). In addition to the clinical data presented in the literature, this alteration is expected to result in loss of function by premature protein truncation or nonsense-mediated mRNA decay. As such, this alteration is interpreted as a disease-causing mutation.

Myriad Genetics, Inc.
Classification: Pathogenic for Familial cancer of breast. Last evaluated: 2024-01-29. Review status: criteria provided, single submitter. Criteria: Myriad Autosomal Dominant, Autosomal Recessive and X-Linked Classification Criteria (2023). Collection method: clinical testing. Allele origin: unknown.
Comment: This variant is considered pathogenic. This variant creates a frameshift predicted to result in premature protein truncation.

Women's Health and Genetics/Laboratory Corporation of America, LabCorp
Classification: Pathogenic for Ataxia-telangiectasia syndrome. Last evaluated: 2023-11-20. Review status: criteria provided, single submitter. Criteria: LabCorp Variant Classification Summary - May 2015. Collection method: clinical testing. Allele origin: germline.
Comment: Variant summary: ATM c.6383dupT (p.Leu2128PhefsX18) results in a premature termination codon, predicted to cause a truncation of the encoded protein or absence of the protein due to nonsense mediated decay, which are commonly known mechanisms for disease. The variant was absent in 249680 control chromosomes. To our knowledge, no occurrence of c.6383dupT in individuals affected with Ataxia-Telangiectasia and no experimental evidence demonstrating its impact on protein function have been reported. Three submitters have cited clinical-significance assessments for this variant to ClinVar after 2014. All submitters classified the variant as pathogenic. Based on loss of function as an established mechanism of disease and the evidence outlined above, the variant was classified as pathogenic.

Color Diagnostics, LLC DBA Color Health
Classification: Pathogenic for Hereditary cancer-predisposing syndrome. Last evaluated: 2019-10-14. Review status: criteria provided, single submitter. Criteria: ACMG Guidelines, 2015. Collection method: clinical testing. Allele origin: germline.
Comment: This variant inserts 1 nucleotide in exon 44 of the ATM gene, creating a frameshift and premature translation stop signal. This variant is expected to result in an absent or non-functional protein product. Splice site prediction tools suggest that this variant may not impact RNA splicing. To our knowledge, functional studies have not been performed for this variant. This variant has been reported in an individual with a pathogenic ATM co-variant and who is affected with ataxia telangiectasia (PMID: 29906526). This variant has not been identified in the general population by the Genome Aggregation Database (gnomAD). Loss of ATM function is a known mechanism of disease. Based on the available evidence, this variant is classified as Pathogenic.

Literature cited by the submitters: PubMed 23807571 (cited by Labcorp Genetics (formerly Invitae), Labcorp); PubMed 25614872 (cited by Labcorp Genetics (formerly Invitae), Labcorp); PubMed 29906526 (cited by Ambry Genetics).

NM_000051.4(ATM):c.6383dup (p.Leu2128fs)

Genes: ATM (ATM serine/threonine kinase; plus strand), C11orf65 (chromosome 11 open reading frame 65; minus strand). Cytogenetic location: 11q22.3.
Variant type: Duplication.
Coding change: c.6383dup on transcript NM_000051.4 (MANE Select); coding-DNA position 6383, one base duplicated (T; older notation c.6383dupT).
Protein change: p.Leu2128fs; shifts the reading frame from leucine 2128.
Molecular consequence: frameshift variant. On other transcripts: intron variant (2).
Genome position (GRCh38, 1-based): chr11:108,319,989, T duplicated; the last of 2 consecutive T bases (chr11:108,319,988-108,319,989); duplicating either gives the same sequence. VCF-style (leftmost placement, unchanged base first): chr11-108319987-A-AT. GRCh37 (hg19) VCF-style: chr11-108190714-A-AT.
Other names: c.6383dup, p.Leu2128fs (NM_001351834.2); c.641-10917dup (NM_001330368.2); c.*39-10917dup (NM_001351110.2); c.6383dupT (NM_000051.3, NM_000051.4); short protein forms L2128fs.
Identifiers: ClinVar variation 826371 (VCV000826371.15), dbSNP rs1198014194, ClinGen allele CA671424191.